The following is an entry in ClinVar:

ClinVar aggregate classification (germline): Uncertain significance. Review status: criteria provided, multiple submitters, no conflicts (2 of 4 stars). 2 submissions from 2 submitters: Uncertain significance (2). Last evaluated 2025-04-08.

Conditions:
FIG4-related disorder. Also called: FIG4-related disorders; FIG4-related condition.
Charcot-Marie-Tooth disease type 4. Also called: Charcot-Marie-Tooth disease, type IV; Charcot-Marie-Tooth, Type 4. Identifiers: Orphanet 64749, MedGen C4082197, MONDO:0018995.

Allele frequency attached by ClinVar (database versions not stated): gnomAD exomes 0.00001.
gnomAD v4.1: 6 of 1,348,506 alleles (0.00044%); highest among the groups gnomAD compares: African/African-American, 0.0015%; no homozygotes.

Submissions (2):

Labcorp Genetics (formerly Invitae), Labcorp
Classification: Uncertain significance for Charcot-Marie-Tooth disease type 4. Last evaluated: 2025-04-08. Review status: criteria provided, single submitter. Criteria: Invitae Variant Classification Sherloc (09022015). Collection method: clinical testing. Allele origin: germline.
Comment: This sequence change replaces tyrosine, which is neutral and polar, with cysteine, which is neutral and slightly polar, at codon 150 of the FIG4 protein (p.Tyr150Cys). This variant is not present in population databases (gnomAD no frequency). This variant has not been reported in the literature in individuals affected with FIG4-related conditions. ClinVar contains an entry for this variant (Variation ID: 543435). An algorithm developed to predict the effect of missense changes on protein structure and function (PolyPhen-2) suggests that this variant is likely to be disruptive. In summary, the available evidence is currently insufficient to determine the role of this variant in disease. Therefore, it has been classified as a Variant of Uncertain Significance.

PreventionGenetics, part of Exact Sciences
Classification: Uncertain significance for FIG4-related condition. Last evaluated: 2022-11-24. Review status: criteria provided, single submitter. Criteria: ACMG Guidelines, 2015. Collection method: clinical testing. Allele origin: germline.
Comment: The FIG4 c.449A>G variant is predicted to result in the amino acid substitution p.Tyr150Cys. To our knowledge, this variant has not been reported in the literature or in a large population database, indicating this variant is rare. At this time, the clinical significance of this variant is uncertain due to the absence of conclusive functional and genetic evidence.

NM_014845.6(FIG4):c.449A>G (p.Tyr150Cys)

Gene: FIG4 (FIG4 phosphoinositide 5-phosphatase; plus strand). Cytogenetic location: 6q21.
Variant type: single nucleotide variant.
Coding change: c.449A>G on transcript NM_014845.6 (MANE Select); coding-DNA position 449, A replaced by G.
Protein change: p.Tyr150Cys; replaces tyrosine 150 with cysteine.
Molecular consequence: missense variant.
Genome position (GRCh38, 1-based): chr6:109,732,639, A>G. VCF-style: chr6-109732639-A-G. GRCh37 (hg19) VCF-style: chr6-110053842-A-G.
Other names: short protein forms Y150C.
Identifiers: ClinVar variation 543435 (VCV000543435.5), dbSNP rs1233666827, ClinGen allele CA365218306.